The following is an entry in ClinVar:

NM_000540.3(RYR1):c.2361-68C>T

Gene: RYR1 (ryanodine receptor 1; plus strand). Cytogenetic location: 19q13.2.
Variant type: single nucleotide variant.
Coding change: c.2361-68C>T on transcript NM_000540.3 (MANE Select); 68 bases into the intron before coding-DNA position 2361, C replaced by T.
Molecular consequence: intron variant.
Genome position (GRCh38, 1-based): chr19:38,460,307, C>T. VCF-style: chr19-38460307-C-T. GRCh37 (hg19) VCF-style: chr19-38950947-C-T.
Other names: c.2361-68C>T (NM_001042723.2).
Identifiers: ClinVar variation 133115 (VCV000133115.3), dbSNP rs2304147, ClinGen allele CA024347.

ClinVar aggregate classification (germline): Benign. Review status: criteria provided, multiple submitters, no conflicts (2 of 4 stars). 3 submissions from 3 submitters: Benign (2). 1 of the submissions does not count toward it. Last evaluated 2018-06-14.

Allele frequency attached by ClinVar (database versions not stated): 1000 Genomes Project 0.55371; 1000 Genomes Project 30x 0.55590; gnomAD 0.62207 and 0.62861; TOPMed 0.62423.
gnomAD v4.1: 898,792 of 1,398,186 alleles (64%); highest among the groups gnomAD compares: Admixed American, 69%; 292,669 homozygotes.

Submissions (3):

GeneDx
Classification: Benign. Last evaluated: 2018-06-14. Review status: criteria provided, single submitter. Criteria: GeneDx Variant Classification (06012015). Collection method: clinical testing. Allele origin: germline. Affected: yes.
Comment: This variant is considered likely benign or benign based on one or more of the following criteria: it is a conservative change, it occurs at a poorly conserved position in the protein, it is predicted to be benign by multiple in silico algorithms, and/or has population frequency not consistent with disease.

Breakthrough Genomics
Classification: Benign. Review status: criteria provided, single submitter. Criteria: ACMG Guidelines, 2015. Collection method: not provided. Allele origin: germline. Inheritance: Autosomal recessive inheritance. Affected: yes.

RYR1 database
No classification provided. Review status: no classification provided. Collection method: not provided. Allele origin: unknown. Not counted in ClinVar's aggregate classification.